The following is an entry in ClinVar:

NM_032043.3(BRIP1):c.3667_3673del (p.Leu1223fs)

Gene: BRIP1 (BRCA1 interacting DNA helicase 1; minus strand). Cytogenetic location: 17q23.2.
Variant type: Deletion.
Coding change: c.3667_3673del on transcript NM_032043.3 (MANE Select); coding-DNA positions 3667 to 3673, 7 bases deleted (CTGGGAA; older notation c.3667_3673delCTGGGAA).
Protein change: p.Leu1223fs; shifts the reading frame from leucine 1223.
Molecular consequence: frameshift variant.
Genome position (GRCh38, 1-based): chr17:61,683,373-61,683,379, TTCCCAG deleted on the plus strand (CTGGGAA on the coding strand, the reverse complement: BRIP1 is on the minus strand); deleting any 7 consecutive bases within chr17:61,683,373-61,683,383 gives the same sequence; the c. name uses the placement nearest the transcript's 3' end. VCF-style (leftmost placement, unchanged base first): chr17-61683372-TTTCCCAG-T. GRCh37 (hg19) VCF-style: chr17-59760733-TTTCCCAG-T.
Other names: short protein forms L1223fs.
Identifiers: ClinVar variation 1002502 (VCV001002502.7), dbSNP rs2061297923, ClinGen allele CA2269130710.

ClinVar aggregate classification (germline): Uncertain significance (1 of 4 stars; one submission).

Conditions:
Familial cancer of breast. Also called: hereditary breast carcinoma; BREAST CANCER, FAMILIAL; Hereditary breast cancer. Identifiers: Orphanet 227535, MedGen C0346153, MONDO:0016419, OMIM 114480. Disease mechanism: loss of function.
Fanconi anemia complementation group J. Also called: BRIP1-Related Fanconi Anemia. Identifiers: Orphanet 84, MedGen C1836860, MONDO:0012187, OMIM 609054.

Submission:

Labcorp Genetics (formerly Invitae), Labcorp
Classification: Uncertain significance for Familial cancer of breast; Fanconi anemia complementation group J. Last evaluated: 2025-10-09. Review status: criteria provided, single submitter. Criteria: Invitae Variant Classification Sherloc (09022015). Collection method: clinical testing. Allele origin: germline.
Comment: This sequence change creates a premature translational stop signal (p.Leu1223Lysfs*5) in the BRIP1 gene. While this is not anticipated to result in nonsense mediated decay, it is expected to disrupt the last 27 amino acid(s) of the BRIP1 protein. This variant is not present in population databases (gnomAD no frequency). This variant has not been reported in the literature in individuals affected with BRIP1-related conditions. ClinVar contains an entry for this variant (Variation ID: 1002502). Experimental studies and prediction algorithms are not available or were not evaluated, and the functional significance of this variant is currently unknown. Algorithms developed to predict the effect of sequence changes on RNA splicing suggest that this variant may create or strengthen a splice site. In summary, the available evidence is currently insufficient to determine the role of this variant in disease. Therefore, it has been classified as a Variant of Uncertain Significance.